The following is an entry in ClinVar:

NM_001366145.2(TRPM3):c.3786_3787delinsGGTCT (p.Asp1262_Ile1263delinsGluValPhe)

Genes: KLF9-DT (KLF9 divergent transcript; plus strand), TRPM3 (transient receptor potential cation channel subfamily M member 3; minus strand). Cytogenetic location: 9q21.12.
Variant type: Indel.
Coding change: c.3786_3787delinsGGTCT on transcript NM_001366145.2 (MANE Select); coding-DNA positions 3786 to 3787, CA replaced by GGTCT.
Protein change: p.Asp1262_Ile1263delinsGluValPhe.
Molecular consequence: inframe indel.
Genome position (GRCh38, 1-based): chr9:70,537,326-70,537,327, TG replaced by AGACC on the plus strand (CA replaced by GGTCT on the coding strand, the reverse complement: TRPM3 is on the minus strand). VCF-style: chr9-70537326-TG-AGACC. GRCh37 (hg19) VCF-style: chr9-73152242-TG-AGACC.
Other names: c.3750_3751delinsGGTCT, p.Asp1250_Ile1251delinsGluValPhe (NM_001007471.4, NM_001366151.2); c.3756_3757delinsGGTCT, p.Asp1252_Ile1253delinsGluValPhe (NM_001366141.2, NM_001366143.2, NM_001366149.2); c.3792_3793delinsGGTCT, p.Asp1264_Ile1265delinsGluValPhe (NM_001366142.2); c.3786_3787delinsGGTCT, p.Asp1262_Ile1263delinsGluValPhe (NM_001366146.2); c.3861_3862delinsGGTCT, p.Asp1287_Ile1288delinsGluValPhe (NM_001366147.2, NM_001366152.2); c.3831_3832delinsGGTCT, p.Asp1277_Ile1278delinsGluValPhe (NM_001366148.2); c.3720_3721delinsGGTCT, p.Asp1240_Ile1241delinsGluValPhe (NM_001366150.2); c.3327_3328delinsGGTCT, p.Asp1109_Ile1110delinsGluValPhe (NM_001366154.2, NM_024971.7); and 5 more.
Identifiers: ClinVar variation 4529934 (VCV004529934.1).

ClinVar aggregate classification (germline): Uncertain significance (1 of 4 stars; one submission).

Submission:

GeneDx
Classification: Uncertain significance. Last evaluated: 2025-05-11. Review status: criteria provided, single submitter. Criteria: GeneDx Variant Classification Process June 2021. Collection method: clinical testing. Allele origin: germline. Affected: yes.
Comment: In-frame deletion of 1 amino acid and insertion of 2 different amino acids in a non-repeat region; Not observed at significant frequency in large population cohorts (gnomAD); In silico analysis suggests that this variant does not alter protein structure/function; Has not been previously published as pathogenic or benign to our knowledge